The following is an entry in ClinVar:

NM_000489.6(ATRX):c.5068G>A (p.Ala1690Thr)

Gene: ATRX (ATRX chromatin remodeler; minus strand). Cytogenetic location: Xq21.1.
Variant type: single nucleotide variant.
Coding change: c.5068G>A on transcript NM_000489.6 (MANE Select); coding-DNA position 5068, G replaced by A.
Protein change: p.Ala1690Thr; replaces alanine 1690 with threonine.
Molecular consequence: missense variant.
Genome position (GRCh38, 1-based): chrX:77,633,273, C>T on the plus strand (G>A on the coding strand, the complement: ATRX is on the minus strand). VCF-style: chrX-77633273-C-T. GRCh37 (hg19) VCF-style: chrX-76888761-C-T.
Other names: c.5068G>A (NM_000489.3); c.4954G>A, p.Ala1652Thr (NM_138270.5); short protein forms A1652T, A1690T.
Identifiers: ClinVar variation 1001487 (VCV001001487.12), dbSNP rs2068194249, ClinGen allele CA413703308.

ClinVar aggregate classification (germline): Uncertain significance. Review status: criteria provided, multiple submitters, no conflicts (2 of 4 stars). 3 submissions from 3 submitters: Uncertain significance (2). 1 of the submissions does not count toward it. Last evaluated 2024-03-18.

Conditions:
Alpha thalassemia-X-linked intellectual disability syndrome (ATRX). Also called: ALPHA-THALASSEMIA/MENTAL RETARDATION SYNDROME, X-LINKED; ATR, NONDELETION TYPE; ATR-X syndrome; Alpha thalassemia mental retardation syndrome, nondeletion type, X-linked; XLMR hypotonic face syndrome; X-linked alpha-thalassemia-mental retardation syndrome. Identifiers: Orphanet 847, MedGen C1845055, MONDO:0010519, OMIM 301040.

Allele frequency attached by ClinVar (database versions not stated): gnomAD 0.00001; gnomAD exomes below 0.00001; TOPMed below 0.00001.
gnomAD v4.1: 3 of 1,208,845 alleles (0.00025%); highest among the groups gnomAD compares: African/African-American, 0.0018%; no homozygotes.

Submissions (3):

Labcorp Genetics (formerly Invitae), Labcorp
Classification: Uncertain significance for Alpha thalassemia-X-linked intellectual disability syndrome. Last evaluated: 2024-03-18. Review status: criteria provided, single submitter. Criteria: Invitae Variant Classification Sherloc (09022015). Collection method: clinical testing. Allele origin: germline.
Comment: This sequence change replaces alanine, which is neutral and non-polar, with threonine, which is neutral and polar, at codon 1690 of the ATRX protein (p.Ala1690Thr). This variant is not present in population databases (gnomAD no frequency). This variant has not been reported in the literature in individuals affected with ATRX-related conditions. ClinVar contains an entry for this variant (Variation ID: 1001487). Advanced modeling of protein sequence and biophysical properties (such as structural, functional, and spatial information, amino acid conservation, physicochemical variation, residue mobility, and thermodynamic stability) performed at Invitae indicates that this missense variant is not expected to disrupt ATRX protein function with a negative predictive value of 95%. In summary, the available evidence is currently insufficient to determine the role of this variant in disease. Therefore, it has been classified as a Variant of Uncertain Significance.

GeneDx
Classification: Uncertain significance. Last evaluated: 2022-11-30. Review status: criteria provided, single submitter. Criteria: GeneDx Variant Classification Process June 2021. Collection method: clinical testing. Allele origin: germline. Affected: yes.
Comment: Not observed at significant frequency in large population cohorts (gnomAD); In silico analysis supports that this missense variant does not alter protein structure/function; Has not been previously published as pathogenic or benign to our knowledge; This variant is associated with the following publications: (PMID: 18409179)

Natera, Inc.
Classification: Uncertain significance for X-linked alpha-thalassemia-mental retardation syndrome. Last evaluated: 2021-03-12. Review status: no assertion criteria provided. Collection method: clinical testing. Allele origin: germline. Not counted in ClinVar's aggregate classification.